The following is an entry in ClinVar:

ClinVar aggregate classification (germline): Conflicting classifications of pathogenicity. Review status: criteria provided, conflicting classifications (1 of 4 stars). 5 submissions from 5 submitters: Uncertain significance (4); Likely benign (1). Last evaluated 2025-12-09.

Conditions:
Cardiovascular phenotype. Identifiers: MedGen CN230736.
Short QT syndrome. Also called: Familial short QT syndrome. Identifiers: Orphanet 51083, MedGen C2348199, MONDO:0000453.
Brugada syndrome. Also called: Sudden unexplained nocturnal death syndrome; Sudden Unexplained Death Syndrome; Sudden Unexplained Nocturnal Death Syndrome (SUNDS); Sudden unexpected nocturnal death syndrome. Identifiers: Orphanet 130, MedGen C1142166, MONDO:0015263.

Allele frequency attached by ClinVar (database versions not stated): gnomAD 0.00003 and 0.00004; ExAC 0.00005; gnomAD exomes 0.00005 and 0.00007; TOPMed 0.00005.

Submissions (5):

Labcorp Genetics (formerly Invitae), Labcorp
Classification: Uncertain significance for Brugada syndrome. Last evaluated: 2025-12-09. Review status: criteria provided, single submitter. Criteria: Invitae Variant Classification Sherloc (09022015). Collection method: clinical testing. Allele origin: germline.
Comment: This sequence change replaces lysine, which is basic and polar, with glutamic acid, which is acidic and polar, at codon 381 of the CACNA2D1 protein (p.Lys381Glu). This variant is present in population databases (rs756707031, gnomAD 0.009%). This variant has not been reported in the literature in individuals affected with CACNA2D1-related conditions. ClinVar contains an entry for this variant (Variation ID: 263722). An algorithm developed to predict the effect of missense changes on protein structure and function (PolyPhen-2) suggests that this variant is likely to be tolerated. In summary, the available evidence is currently insufficient to determine the role of this variant in disease. Therefore, it has been classified as a Variant of Uncertain Significance.

Ambry Genetics
Classification: Likely benign for Cardiovascular phenotype. Last evaluated: 2023-09-29. Review status: criteria provided, single submitter. Criteria: Ambry Variant Classification Scheme 2023. Collection method: clinical testing. Allele origin: germline.

GeneDx
Classification: Uncertain significance. Last evaluated: 2020-05-19. Review status: criteria provided, single submitter. Criteria: GeneDx Variant Classification Process June 2021. Collection method: clinical testing. Allele origin: germline. Affected: yes.
Comment: Has not been previously published as pathogenic or benign to our knowledge; Reported in ClinVar as a variant of uncertain significance (ClinVar Variant ID# 263722; Landrum et al., 2016); In silico analysis supports that this missense variant does not alter protein structure/function

Athena Diagnostics
Classification: Uncertain significance. Last evaluated: 2019-03-26. Review status: criteria provided, single submitter. Criteria: Athena Diagnostics Criteria. Collection method: clinical testing. Allele origin: germline.

MVZ Martinsried, Medicover Genetics
Classification: Uncertain significance for Short QT syndrome. Last evaluated: 2019-02-21. Review status: criteria provided, single submitter. Criteria: ACMG Guidelines, 2015. Collection method: clinical testing. Allele origin: unknown. Affected: yes.

NM_000722.4(CACNA2D1):c.1141A>G (p.Lys381Glu)

Gene: CACNA2D1 (calcium voltage-gated channel auxiliary subunit alpha2delta 1; minus strand). Cytogenetic location: 7q21.11.
Variant type: single nucleotide variant.
Coding change: c.1141A>G on transcript NM_000722.4 (MANE Select); coding-DNA position 1141, A replaced by G.
Protein change: p.Lys381Glu; replaces lysine 381 with glutamic acid.
Molecular consequence: missense variant.
Genome position (GRCh38, 1-based): chr7:82,032,799, T>C on the plus strand (A>G on the coding strand, the complement: CACNA2D1 is on the minus strand). VCF-style: chr7-82032799-T-C. GRCh37 (hg19) VCF-style: chr7-81662115-T-C.
Other names: c.1141A>G (LRG_437t1); c.1141A>G, p.Lys381Glu (NM_001366867.1); short protein forms K381E.
Identifiers: ClinVar variation 263722 (VCV000263722.16), dbSNP rs756707031, ClinGen allele CA4318131.